The following is an entry in ClinVar:

ClinVar aggregate classification (germline): Uncertain significance (1 of 4 stars; one submission).

Conditions:
Severe early-onset pulmonary alveolar proteinosis due to MARS deficiency. Also called: PULMONARY ALVEOLAR PROTEINOSIS, REUNION ISLAND; Interstitial lung and liver disease. Identifiers: Orphanet 440427, MedGen C4225400, MONDO:0014206, OMIM 615486.
Charcot-Marie-Tooth disease axonal type 2U. Also called: CHARCOT-MARIE-TOOTH NEUROPATHY, TYPE 2U; CHARCOT-MARIE-TOOTH DISEASE, AXONAL, AUTOSOMAL DOMINANT, TYPE 2U. Identifiers: Orphanet 397735, MedGen C4084821, MONDO:0014566, OMIM 616280.

Submission:

Labcorp Genetics (formerly Invitae), Labcorp
Classification: Uncertain significance for Charcot-Marie-Tooth disease axonal type 2U; Severe early-onset pulmonary alveolar proteinosis due to MARS deficiency. Last evaluated: 2024-11-05. Review status: criteria provided, single submitter. Criteria: Invitae Variant Classification Sherloc (09022015). Collection method: clinical testing. Allele origin: germline.
Comment: This sequence change falls in intron 20 of the MARS gene. It does not directly change the encoded amino acid sequence of the MARS protein. It affects a nucleotide within the consensus splice site. This variant is not present in population databases (gnomAD no frequency). This variant has not been reported in the literature in individuals affected with MARS-related conditions. ClinVar contains an entry for this variant (Variation ID: 2934310). Variants that disrupt the consensus splice site are a relatively common cause of aberrant splicing (PMID: 17576681, 9536098). Algorithms developed to predict the effect of sequence changes on RNA splicing suggest that this variant may disrupt the consensus splice site. In summary, the available evidence is currently insufficient to determine the role of this variant in disease. Therefore, it has been classified as a Variant of Uncertain Significance.

Literature cited by the submitters: PubMed 17576681; PubMed 9536098.

NM_004990.4(MARS1):c.2556+5G>A

Gene: MARS1 (methionyl-tRNA synthetase 1; plus strand). Cytogenetic location: 12q13.3.
Variant type: single nucleotide variant.
Coding change: c.2556+5G>A on transcript NM_004990.4 (MANE Select); 5 bases into the intron after coding-DNA position 2556, G replaced by A.
Molecular consequence: intron variant.
Genome position (GRCh38, 1-based): chr12:57,516,342, G>A. VCF-style: chr12-57516342-G-A. GRCh37 (hg19) VCF-style: chr12-57910125-G-A.
Identifiers: ClinVar variation 2934310 (VCV002934310.3), dbSNP rs1877828855, ClinGen allele CA2038909243.